The following is an entry in ClinVar:

ClinVar aggregate classification (germline): Likely pathogenic (1 of 4 stars; one submission).

Conditions:
Dilated cardiomyopathy 1G (CMD1G). Identifiers: Orphanet 154, MedGen C1858763, MONDO:0011400, OMIM 604145.
Autosomal recessive limb-girdle muscular dystrophy type 2J (LGMDR10). Also called: Limb-girdle muscular dystrophy, type 2J; MUSCULAR DYSTROPHY, LIMB-GIRDLE, AUTOSOMAL RECESSIVE 10. Identifiers: Orphanet 140922, MedGen C1837342, MONDO:0012127, OMIM 608807.

gnomAD v4.1: 1 of 1,612,064 alleles (0.000062%); highest among the groups gnomAD compares: East Asian, 0.0022%; no homozygotes.

Submission:

Labcorp Genetics (formerly Invitae), Labcorp
Classification: Likely pathogenic for Dilated cardiomyopathy 1G; Autosomal recessive limb-girdle muscular dystrophy type 2J. Last evaluated: 2024-05-27. Review status: criteria provided, single submitter. Criteria: Invitae Variant Classification Sherloc (09022015). Collection method: clinical testing. Allele origin: germline.
Comment: This sequence change affects a donor splice site in intron 259 of the TTN gene. It is expected to disrupt RNA splicing and likely results in a truncated or disrupted TTN protein. This variant is not present in population databases (gnomAD no frequency). This variant has not been reported in the literature in individuals affected with TTN-related conditions. Algorithms developed to predict the effect of sequence changes on RNA splicing suggest that this variant may disrupt the consensus splice site. This variant is located in the A band of TTN (PMID: 25589632). Truncating variants in this region are significantly overrepresented in patients affected with dilated cardiomyopathy (PMID: 25589632). Truncating variants in this region have also been reported in individuals affected with autosomal recessive centronuclear myopathy (PMID: 23975875). In summary, the currently available evidence indicates that the variant is pathogenic, but additional data are needed to prove that conclusively. Therefore, this variant has been classified as Likely Pathogenic.

Literature cited by the submitters: PubMed 25589632; PubMed 23975875.

NM_001267550.2(TTN):c.48638+2T>C

Genes: TTN-AS1 (TTN antisense RNA 1; plus strand), TTN (titin; minus strand), LOC126806426 (BRD4-independent group 4 enhancer GRCh37_chr2:179478848-179480047; plus strand). Cytogenetic location: 2q31.2.
Variant type: single nucleotide variant.
Coding change: c.48638+2T>C on transcript NM_001267550.2 (MANE Select); the canonical splice donor site of the intron after coding-DNA position 48638, T replaced by C.
Molecular consequence: splice donor variant.
Genome position (GRCh38, 1-based): chr2:178,615,305, A>G on the plus strand (T>C on the coding strand, the complement: TTN is on the minus strand). VCF-style: chr2-178615305-A-G. GRCh37 (hg19) VCF-style: chr2-179480032-A-G.
Other names: c.21443+2T>C (NM_003319.4); c.22019+2T>C (NM_133437.4); c.21818+2T>C (NM_133432.3); c.40934+2T>C (NM_133378.4); c.43715+2T>C (NM_001256850.1).
Identifiers: ClinVar variation 3756445 (VCV003756445.2).